The following is an entry in ClinVar:

ClinVar aggregate classification (germline): Benign (1 of 4 stars; one submission).

Conditions:
Oroticaciduria. Also called: Orotic aciduria. Identifiers: Orphanet 30, MedGen C0268128, HP:0003218.

Allele frequency attached by ClinVar (database versions not stated): TOPMed 0.00763; gnomAD 0.00779 and 0.00718; 1000 Genomes Project 0.00859; ExAC 0.00067; 1000 Genomes Project 30x 0.00906.

Submission:

Illumina Laboratory Services, Illumina
Classification: Benign for Hereditary orotic aciduria. Last evaluated: 2018-01-12. Review status: criteria provided, single submitter. Criteria: ICSL Variant Classification Criteria 13 December 2019. Collection method: clinical testing. Allele origin: germline.
Comment: This variant was observed in the ICSL laboratory as part of a predisposition screen in an ostensibly healthy population. It had not been previously curated by ICSL or reported in the Human Gene Mutation Database (HGMD: prior to June 1st, 2018), and was therefore a candidate for classification through an automated scoring system. Utilizing variant allele frequency, disease prevalence and penetrance estimates, and inheritance mode, an automated score was calculated to assess if this variant is too frequent to cause the disease. Based on the score and internal cut-off values, a variant classified as benign is not then subjected to further curation. The score for this variant resulted in a classification of benign for this disease.

NM_000373.4(UMPS):c.*3131G>A

Gene: UMPS (uridine monophosphate synthetase; plus strand). Cytogenetic location: 3q21.2.
Variant type: single nucleotide variant.
Coding change: c.*3131G>A on transcript NM_000373.4 (MANE Select); 3131 bases downstream of the stop codon, G replaced by A.
Molecular consequence: 3 prime UTR variant. On other transcripts: non-coding transcript variant (2).
Genome position (GRCh38, 1-based): chr3:124,747,215, G>A. VCF-style: chr3-124747215-G-A. GRCh37 (hg19) VCF-style: chr3-124466062-G-A.
Identifiers: ClinVar variation 342997 (VCV000342997.5), dbSNP rs140750390, ClinGen allele CA2582094.